The following is an entry in ClinVar:

ClinVar aggregate classification (germline): Uncertain significance. Review status: criteria provided, multiple submitters, no conflicts (2 of 4 stars). 2 submissions from 2 submitters: Uncertain significance (2). Last evaluated 2026-02-26.

Conditions:
Inborn genetic diseases. Identifiers: MedGen C0950123, MeSH D030342.

Submissions (2):

Dasa
Classification: Uncertain significance. Last evaluated: 2026-02-26. Review status: criteria provided, single submitter. Criteria: DASA Assertion Criteria. Collection method: clinical testing. Allele origin: germline.
Comment: NM_001372044.2(SHANK3):c.3894G>C (p.Arg1298Ser) is a missense variant that results in the substitution of arginine with serine. This variant is rare in population databases. Computational prediction algorithms are consistent with a benign effect. The currently available literature and clinical evidence are not sufficient to establish a definitive association between this variant and the reported condition. Therefore, this variant is classified as a variant of uncertain significance.

Ambry Genetics
Classification: Uncertain significance for Inborn genetic diseases. Last evaluated: 2024-05-08. Review status: criteria provided, single submitter. Criteria: Ambry Variant Classification Scheme 2023. Collection method: clinical testing. Allele origin: germline.

NM_001372044.2(SHANK3):c.3894G>C (p.Arg1298Ser)

Gene: SHANK3 (SH3 and multiple ankyrin repeat domains 3; plus strand). Cytogenetic location: 22q13.33.
Variant type: single nucleotide variant.
Coding change: c.3894G>C on transcript NM_001372044.2 (MANE Select); coding-DNA position 3894, G replaced by C.
Protein change: p.Arg1298Ser; replaces arginine 1298 with serine.
Molecular consequence: missense variant.
Genome position (GRCh38, 1-based): chr22:50,721,502, G>C. VCF-style: chr22-50721502-G-C. GRCh37 (hg19) VCF-style: chr22-51159930-G-C.
Other names: c.3669G>C (NM_033517.1); short protein forms R1298S.
Identifiers: ClinVar variation 3318216 (VCV003318216.3).